The following is an entry in ClinVar:

NM_000057.4(BLM):c.1825C>A (p.Pro609Thr)

Gene: BLM (BLM RecQ like helicase; plus strand). Cytogenetic location: 15q26.1.
Variant type: single nucleotide variant.
Coding change: c.1825C>A on transcript NM_000057.4 (MANE Select); coding-DNA position 1825, C replaced by A.
Protein change: p.Pro609Thr; replaces proline 609 with threonine.
Molecular consequence: missense variant.
Genome position (GRCh38, 1-based): chr15:90,761,198, C>A. VCF-style: chr15-90761198-C-A. GRCh37 (hg19) VCF-style: chr15-91304428-C-A.
Other names: c.1825C>A, p.Pro609Thr (NM_001287246.2, NM_001287247.2); c.700C>A, p.Pro234Thr (NM_001287248.2); short protein forms P609T, P234T.
Identifiers: ClinVar variation 454087 (VCV000454087.17), dbSNP rs770255643, ClinGen allele CA7738589.
Genomic context (GRCh38, chr15:90,761,198, plus strand): 5'-GAAGGTCGGCCAATTAAATCAGTATCAGAAAGACTTTCCTCAGCCAAGACAGACTGTCTT[C>A]CAGTGTCATCTACTGCTCAAAATATAAACTTCTCAGAGTCAATTCAGAATTATACTGGTA-3'
Protein context (NP_000048.1, residues 599-619): RLSSAKTDCL[Pro609Thr]VSSTAQNINF

ClinVar aggregate classification (germline): Conflicting classifications of pathogenicity. Review status: criteria provided, conflicting classifications (1 of 4 stars). 4 submissions from 4 submitters: Uncertain significance (2); Benign (1). 1 of the submissions does not count toward it. Last evaluated 2025-12-05.

Conditions:
Hereditary cancer-predisposing syndrome. Also called: Hereditary Cancer Syndrome; Hereditary neoplastic syndrome; Neoplastic Syndromes, Hereditary; Tumor predisposition. Identifiers: Orphanet 140162, MedGen C0027672, MeSH D009386, MONDO:0015356.
Bloom syndrome (BLM). Also called: Bloom-Torre-Machacek syndrome. Identifiers: Orphanet 125, MedGen C0005859, MONDO:0008876, OMIM 210900.

Allele frequency attached by ClinVar (database versions not stated): gnomAD 0.00001 and 0.00003; gnomAD exomes 0.00001 and 0.00003; ExAC 0.00002; TOPMed 0.00002.
gnomAD v4.1: 14 of 1,532,724 alleles (0.00091%); highest among the groups gnomAD compares: Non-Finnish European, 0.0012%; no homozygotes.

Submissions (4):

Labcorp Genetics (formerly Invitae), Labcorp
Classification: Benign for Bloom syndrome. Last evaluated: 2025-12-05. Review status: criteria provided, single submitter. Criteria: Invitae Variant Classification Sherloc (09022015). Collection method: clinical testing. Allele origin: germline.

GeneDx
Classification: Uncertain significance. Last evaluated: 2024-08-27. Review status: criteria provided, single submitter. Criteria: GeneDx Variant Classification Process June 2021. Collection method: clinical testing. Allele origin: germline. Affected: yes.
Comment: Not observed at significant frequency in large population cohorts (gnomAD); In silico analysis indicates that this missense variant does not alter protein structure/function; Has not been previously published as pathogenic or benign to our knowledge; This variant is associated with the following publications: (PMID: 32704157)

Ambry Genetics
Classification: Uncertain significance for Hereditary cancer-predisposing syndrome. Last evaluated: 2023-04-28. Review status: criteria provided, single submitter. Criteria: Ambry Variant Classification Scheme 2023. Collection method: clinical testing. Allele origin: germline.
Comment: The p.P609T variant (also known as c.1825C>A), located in coding exon 6 of the BLM gene, results from a C to A substitution at nucleotide position 1825. The proline at codon 609 is replaced by threonine, an amino acid with highly similar properties. This amino acid position is not well conserved in available vertebrate species. In addition, this alteration is predicted to be tolerated by in silico analysis. Since supporting evidence is limited at this time, the clinical significance of this alteration remains unclear.

Natera, Inc.
Classification: Uncertain significance for Bloom syndrome. Last evaluated: 2020-09-16. Review status: no assertion criteria provided. Collection method: clinical testing. Allele origin: germline. Not counted in ClinVar's aggregate classification.